The following is an entry in ClinVar:

NM_006648.4(WNK2):c.1550C>G (p.Ser517Cys)

Gene: WNK2 (WNK lysine deficient protein kinase 2; plus strand). Cytogenetic location: 9q22.31.
Variant type: single nucleotide variant.
Coding change: c.1550C>G on transcript NM_006648.4 (MANE Select); coding-DNA position 1550, C replaced by G.
Protein change: p.Ser517Cys; replaces serine 517 with cysteine.
Molecular consequence: missense variant.
Genome position (GRCh38, 1-based): chr9:93,247,550, C>G. VCF-style: chr9-93247550-C-G. GRCh37 (hg19) VCF-style: chr9-96009832-C-G.
Other names: c.1550C>G, p.Ser517Cys (NM_001282394.3); short protein forms S517C.
Identifiers: ClinVar variation 4842097 (VCV004842097.1).

ClinVar aggregate classification (germline): Uncertain significance (1 of 4 stars; one submission).

gnomAD v4.1: 2 of 1,609,978 alleles (0.00012%); highest among the groups gnomAD compares: South Asian, 0.0011%; no homozygotes.

Submission:

Ambry Genetics
Classification: Uncertain significance. Last evaluated: 2025-12-22. Review status: criteria provided, single submitter. Criteria: Ambry Variant Classification Scheme 2023. Collection method: clinical testing. Allele origin: germline.
Comment: The p.S517C variant (also known as c.1550C>G), located in coding exon 7 of the WNK2 gene, results from a C to G substitution at nucleotide position 1550. The serine at codon 517 is replaced by cysteine, an amino acid with dissimilar properties. This amino acid position is conserved. In addition, the in silico prediction for this alteration is inconclusive. Based on the available evidence, the clinical significance of this variant remains unclear.